The following is an entry in ClinVar:

NM_000020.3(ACVRL1):c.794_799del (p.Thr265_Arg267delinsSer)

Gene: ACVRL1 (activin A receptor like type 1; plus strand). Cytogenetic location: 12q13.13.
Variant type: Deletion.
Coding change: c.794_799del on transcript NM_000020.3 (MANE Select); coding-DNA positions 794 to 799, 6 bases deleted (CCTCCC; older notation c.794_799delCCTCCC).
Protein change: p.Thr265_Arg267delinsSer.
Molecular consequence: inframe indel.
Genome position (GRCh38, 1-based): chr12:51,915,246-51,915,251, CCTCCC deleted. VCF-style (leftmost placement, unchanged base first): chr12-51915245-ACCTCCC-A. GRCh37 (hg19) VCF-style: chr12-52309029-ACCTCCC-A.
Other names: c.794_799del, p.Thr265_Arg267delinsSer (NM_001077401.2); c.794_799delCCTCCC, p.Thr265_Arg267delinsSer (NM_001406487.1, NM_001406488.1, NM_001406489.1); c.482_487delCCTCCC, p.Thr161_Arg163delinsSer (NM_001406490.1, NM_001406491.1, NM_001406492.1 and 2 more transcripts); c.230_235delCCTCCC, p.Thr77_Arg79delinsSer (NM_001406495.1).
Identifiers: ClinVar variation 1761326 (VCV001761326.2), dbSNP rs2540164101, ClinGen allele CA2580086475.
Genomic context (GRCh38, chr12:51,915,245, plus strand): 5'-CCAGCCCCTTGGCTGAGTCACCCAACCTTTCTGCACACAGGCTTCATCGCCTCAGACATG[ACCTCCC>A]GCAACTCGAGCACGCAGCTGTGGCTCATCACGCACTACCACGAGCACGGCTCCCTCTACG-3'

ClinVar aggregate classification (germline): Likely pathogenic (1 of 4 stars; one submission).

Conditions:
Cardiovascular phenotype. Identifiers: MedGen CN230736.

Submission:

Ambry Genetics
Classification: Likely pathogenic for Cardiovascular phenotype. Last evaluated: 2019-01-28. Review status: criteria provided, single submitter. Criteria: Ambry Variant Classification Scheme 2023. Collection method: clinical testing. Allele origin: germline.
Comment: The c.794_799delCCTCCC variant (also known as p.T265_R267delinsS) is located in coding exon 6 of the ACVRL1 gene. This variant results from an in-frame CCTCCC deletion at nucleotide positions 794 to 799. This results in the deletion of three residues (threonine, serine and arginine) and substitutes a single serine between codons 265 and 267. These amino acid positions are well conserved in available vertebrate species. In our cohort, this variant was identified in multiple individuals with hereditary hemorrhagic telangiectasia (HHT) in one family and was shown to segregate with disease (Ambry internal data). This variant was not reported in population-based cohorts in the Genome Aggregation Database (gnomAD). Based on the majority of available evidence to date, this variant is likely to be pathogenic.